The following is an entry in ClinVar:

ClinVar aggregate classification (germline): Uncertain significance (1 of 4 stars; one submission).

Conditions:
Cardiovascular phenotype. Identifiers: MedGen CN230736.

gnomAD v4.1: 9 of 1,597,820 alleles (0.00056%); highest among the groups gnomAD compares: Non-Finnish European, 0.00077%; no homozygotes.

Submission:

Ambry Genetics
Classification: Uncertain significance for Cardiovascular phenotype. Last evaluated: 2024-10-08. Review status: criteria provided, single submitter. Criteria: Ambry Variant Classification Scheme 2023. Collection method: clinical testing. Allele origin: germline.
Comment: The p.H1042Y variant (also known as c.3124C>T), located in coding exon 17 of the SCN10A gene, results from a C to T substitution at nucleotide position 3124. The histidine at codon 1042 is replaced by tyrosine, an amino acid with similar properties. This amino acid position is conserved. In addition, this alteration is predicted to be tolerated by in silico analysis. Based on the available evidence, the clinical significance of this variant remains unclear.

NM_006514.4(SCN10A):c.3124C>T (p.His1042Tyr)

Genes: SCN10A (sodium voltage-gated channel alpha subunit 10; minus strand), LOC110121288 (VISTA enhancer hs2268; plus strand). Cytogenetic location: 3p22.2.
Variant type: single nucleotide variant.
Coding change: c.3124C>T on transcript NM_006514.4 (MANE Select); coding-DNA position 3124, C replaced by T.
Protein change: p.His1042Tyr; replaces histidine 1042 with tyrosine.
Molecular consequence: missense variant.
Genome position (GRCh38, 1-based): chr3:38,725,278, G>A on the plus strand (C>T on the coding strand, the complement: SCN10A is on the minus strand). VCF-style: chr3-38725278-G-A. GRCh37 (hg19) VCF-style: chr3-38766769-G-A.
Other names: c.3121C>T, p.His1041Tyr (NM_001293306.2); c.2830C>T, p.His944Tyr (NM_001293307.2); short protein forms H1042Y, H1041Y, H944Y.
Identifiers: ClinVar variation 3438125 (VCV003438125.1).